The following is an entry in ClinVar:

ClinVar aggregate classification (germline): Uncertain significance (1 of 4 stars; one submission).

Conditions:
Episodic ataxia type 1 (EA1). Also called: ATAXIA, EPISODIC, WITH MYOKYMIA; MYOKYMIA WITH PERIODIC ATAXIA; PAROXYSMAL ATAXIA WITH NEUROMYOTONIA, HEREDITARY; Episodic ataxia/myokymia syndrome. Identifiers: Orphanet 37612, Orphanet 972, MedGen C1719788, MONDO:0008047, OMIM 160120.

Allele frequency attached by ClinVar (database versions not stated): gnomAD exomes below 0.00001.

Submission:

Labcorp Genetics (formerly Invitae), Labcorp
Classification: Uncertain significance for Episodic ataxia type 1. Last evaluated: 2021-04-06. Review status: criteria provided, single submitter. Criteria: Invitae Variant Classification Sherloc (09022015). Collection method: clinical testing. Allele origin: germline.
Comment: This sequence change replaces tyrosine with histidine at codon 72 of the KCNA1 protein (p.Tyr72His). The tyrosine residue is highly conserved and there is a moderate physicochemical difference between tyrosine and histidine. In summary, the available evidence is currently insufficient to determine the role of this variant in disease. Therefore, it has been classified as a Variant of Uncertain Significance. Advanced modeling of protein sequence and biophysical properties (such as structural, functional, and spatial information, amino acid conservation, physicochemical variation, residue mobility, and thermodynamic stability) performed at Invitae indicates that this missense variant is not expected to disrupt KCNA1 protein function. This variant has not been reported in the literature in individuals with KCNA1-related conditions. This variant is not present in population databases (ExAC no frequency).

NM_000217.3(KCNA1):c.214T>C (p.Tyr72His)

Gene: KCNA1 (potassium voltage-gated channel subfamily A member 1; plus strand). Cytogenetic location: 12p13.32.
Variant type: single nucleotide variant.
Coding change: c.214T>C on transcript NM_000217.3 (MANE Select); coding-DNA position 214, T replaced by C.
Protein change: p.Tyr72His; replaces tyrosine 72 with histidine.
Molecular consequence: missense variant.
Genome position (GRCh38, 1-based): chr12:4,911,592, T>C. VCF-style: chr12-4911592-T-C. GRCh37 (hg19) VCF-style: chr12-5020758-T-C.
Other names: short protein forms Y72H.
Identifiers: ClinVar variation 1348878 (VCV001348878.8), dbSNP rs2137672886, ClinGen allele CA383454049.